The following is an entry in ClinVar:

ClinVar aggregate classification (germline): Likely benign (1 of 4 stars; one submission).

Submission:

CeGaT Center for Human Genetics Tuebingen
Classification: Likely benign. Last evaluated: 2026-06-01. Review status: criteria provided, single submitter. Criteria: CeGaT Center For Human Genetics Tuebingen Variant Classification Criteria Version 2. Collection method: clinical testing. Allele origin: germline. Affected: yes. Observed: 1 variant allele.
Comment: WASHC2A: PM2:Supporting, BP4, BP7

NM_001005751.3(WASHC2A):c.1377T>C (p.Asp459=)

Gene: WASHC2A (WASH complex subunit 2A; plus strand). Cytogenetic location: 10q11.23.
Variant type: single nucleotide variant.
Coding change: c.1377T>C on transcript NM_001005751.3 (MANE Select); coding-DNA position 1377, T replaced by C.
Protein change: p.Asp459=; no amino-acid change (aspartic acid 459 retained).
Molecular consequence: synonymous variant.
Genome position (GRCh38, 1-based): chr10:50,095,735, T>C. VCF-style: chr10-50095735-T-C. GRCh37 (hg19) VCF-style: chr10-51855495-T-C.
Other names: c.1377T>C, p.Asp459= (NM_001291398.2, NM_001330102.2, NM_001437384.1 and 4 more transcripts); c.1305T>C, p.Asp435= (NM_001437383.1, NM_001437385.1, NM_001437386.1 and 2 more transcripts).
Identifiers: ClinVar variation 4874332 (VCV004874332.2).